The following is an entry in ClinVar:

ClinVar aggregate classification (germline): Likely pathogenic (1 of 4 stars; one submission).

Conditions:
Autosomal recessive severe congenital neutropenia due to CSF3R deficiency. Also called: Neutropenia, severe congenital, 7, autosomal recessive. Identifiers: Orphanet 420702, MedGen C4310764, MONDO:0014865, OMIM 617014.

Submission:

Labcorp Genetics (formerly Invitae), Labcorp
Classification: Likely pathogenic for Autosomal recessive severe congenital neutropenia due to CSF3R deficiency. Last evaluated: 2022-09-26. Review status: criteria provided, single submitter. Criteria: Invitae Variant Classification Sherloc (09022015). Collection method: clinical testing. Allele origin: germline.
Comment: This sequence change affects an acceptor splice site in intron 3 of the CSF3R gene. It is expected to disrupt RNA splicing. Variants that disrupt the donor or acceptor splice site typically lead to a loss of protein function (PMID: 16199547), and loss-of-function variants in CSF3R are known to be pathogenic (PMID: 24753537, 26324699). This variant is not present in population databases (gnomAD no frequency). This variant has not been reported in the literature in individuals affected with CSF3R-related conditions. Algorithms developed to predict the effect of sequence changes on RNA splicing suggest that this variant may disrupt the consensus splice site. In summary, the currently available evidence indicates that the variant is pathogenic, but additional data are needed to prove that conclusively. Therefore, this variant has been classified as Likely Pathogenic.

Literature cited by the submitters: PubMed 16199547; PubMed 24753537; PubMed 26324699.

NM_000760.4(CSF3R):c.65-2A>C

Gene: CSF3R (colony stimulating factor 3 receptor; minus strand). Cytogenetic location: 1p34.3.
Variant type: single nucleotide variant.
Coding change: c.65-2A>C on transcript NM_000760.4 (MANE Select); the canonical splice acceptor site of the intron before coding-DNA position 65, A replaced by C.
Molecular consequence: splice acceptor variant.
Genome position (GRCh38, 1-based): chr1:36,475,675, T>G on the plus strand (A>C on the coding strand, the complement: CSF3R is on the minus strand). VCF-style: chr1-36475675-T-G. GRCh37 (hg19) VCF-style: chr1-36941276-T-G.
Other names: c.65-2A>C (NM_156039.3, NM_172313.3).
Identifiers: ClinVar variation 2115171 (VCV002115171.4), dbSNP rs2521832114, ClinGen allele CA339425275.